The following is an entry in ClinVar:

ClinVar aggregate classification (germline): Uncertain significance (1 of 4 stars; one submission).

Conditions:
Cardiovascular phenotype. Identifiers: MedGen CN230736.

Allele frequency attached by ClinVar (database versions not stated): gnomAD exomes below 0.00001.
gnomAD v4.1: 1 of 1,614,094 alleles (0.000062%); highest among the groups gnomAD compares: African/African-American, 0.0013%; no homozygotes.

Submission:

Ambry Genetics
Classification: Uncertain significance for Cardiovascular phenotype. Last evaluated: 2020-12-23. Review status: criteria provided, single submitter. Criteria: Ambry Variant Classification Scheme 2023. Collection method: clinical testing. Allele origin: germline.
Comment: Unlikely to be causative of ANK2-related cardiac arrhythmias (AD) Based on insufficient or conflicting evidence, the clinical significance of this alteration remains unclear.

NM_001148.6(ANK2):c.10142G>A (p.Ser3381Asn)

Gene: ANK2 (ankyrin 2; plus strand). Cytogenetic location: 4q26.
Variant type: single nucleotide variant.
Coding change: c.10142G>A on transcript NM_001148.6 (MANE Select); coding-DNA position 10142, G replaced by A.
Protein change: p.Ser3381Asn; replaces serine 3381 with asparagine.
Molecular consequence: missense variant. On other transcripts: intron variant (68).
Genome position (GRCh38, 1-based): chr4:113,358,760, G>A. VCF-style: chr4-113358760-G-A. GRCh37 (hg19) VCF-style: chr4-114279916-G-A.
Other names: c.9908G>A, p.Ser3303Asn (NM_001386142.1); c.6542G>A, p.Ser2181Asn (NM_001386166.1); c.10283G>A, p.Ser3428Asn (NM_001386174.1); c.10259G>A, p.Ser3420Asn (NM_001386175.1); c.4412-2063G>A (NM_001386186.2, NM_001386148.2); c.4214-2063G>A (NM_001354269.3); c.4292-2063G>A (NM_001386187.2); c.4253-2063G>A (NM_001386147.1); and 35 more; short protein forms S3420N, S3428N, S2181N, S3303N, S3381N.
Identifiers: ClinVar variation 2228908 (VCV002228908.2), dbSNP rs2506023489, ClinGen allele CA357939774.